The following is an entry in ClinVar:

NM_000426.4(LAMA2):c.1757C>T (p.Ala586Val)

Gene: LAMA2 (laminin subunit alpha 2; plus strand). Cytogenetic location: 6q22.33.
Variant type: single nucleotide variant.
Coding change: c.1757C>T on transcript NM_000426.4 (MANE Select); coding-DNA position 1757, C replaced by T.
Protein change: p.Ala586Val; replaces alanine 586 with valine.
Molecular consequence: missense variant.
Genome position (GRCh38, 1-based): chr6:129,192,828, C>T. VCF-style: chr6-129192828-C-T. GRCh37 (hg19) VCF-style: chr6-129513973-C-T.
Other names: c.1757C>T, p.Ala586Val (NM_001079823.2); short protein forms A586V.
Identifiers: ClinVar variation 904505 (VCV000904505.9), dbSNP rs373005444, ClinGen allele CA3992723.

ClinVar aggregate classification (germline): Uncertain significance. Review status: criteria provided, multiple submitters, no conflicts (2 of 4 stars). 3 submissions from 3 submitters: Uncertain significance (3). Last evaluated 2025-07-11.

Conditions:
LAMA2-related muscular dystrophy (LAMA2-RD). Also called: Laminin alpha 2-related dystrophy. Identifiers: MedGen C5679788, MONDO:0100228.
Inborn genetic diseases. Identifiers: MedGen C0950123, MeSH D030342.
Congenital muscular dystrophy due to partial LAMA2 deficiency. Identifiers: MedGen C1842898.

Allele frequency attached by ClinVar (database versions not stated): gnomAD 0.00001 and 0.00002; ExAC 0.00002; gnomAD exomes 0.00002 and 0.00003; TOPMed 0.00003; ESP Exome Variant Server 0.00008.
gnomAD v4.1: 53 of 1,613,904 alleles (0.0033%); highest among the groups gnomAD compares: Middle Eastern, 0.049%; no homozygotes.

Submissions (3):

Ambry Genetics
Classification: Uncertain significance for Inborn genetic diseases. Last evaluated: 2025-07-11. Review status: criteria provided, single submitter. Criteria: Ambry Variant Classification Scheme 2023. Collection method: clinical testing. Allele origin: germline.

Labcorp Genetics (formerly Invitae), Labcorp
Classification: Uncertain significance for LAMA2-related muscular dystrophy. Last evaluated: 2021-09-01. Review status: criteria provided, single submitter. Criteria: Invitae Variant Classification Sherloc (09022015). Collection method: clinical testing. Allele origin: germline.
Comment: This sequence change replaces alanine with valine at codon 586 of the LAMA2 protein (p.Ala586Val). The alanine residue is moderately conserved and there is a small physicochemical difference between alanine and valine. This variant is present in population databases (rs373005444, ExAC 0.01%). This variant has not been reported in the literature in individuals affected with LAMA2-related conditions. Algorithms developed to predict the effect of missense changes on protein structure and function are either unavailable or do not agree on the potential impact of this missense change (SIFT: "Deleterious"; PolyPhen-2: "Possibly Damaging"; Align-GVGD: "Class C0"). In summary, the available evidence is currently insufficient to determine the role of this variant in disease. Therefore, it has been classified as a Variant of Uncertain Significance.

Illumina Laboratory Services, Illumina
Classification: Uncertain significance for Congenital muscular dystrophy due to partial LAMA2 deficiency. Last evaluated: 2018-01-13. Review status: criteria provided, single submitter. Criteria: ICSL Variant Classification Criteria 13 December 2019. Collection method: clinical testing. Allele origin: germline.